The following is an entry in ClinVar:

NM_000412.5(HRG):c.868del (p.His290fs)

Gene: HRG (histidine rich glycoprotein; plus strand). Cytogenetic location: 3q27.3.
Variant type: Deletion.
Coding change: c.868del on transcript NM_000412.5 (MANE Select); coding-DNA position 868, one base deleted (C; older notation c.868delC).
Protein change: p.His290fs; shifts the reading frame from histidine 290.
Molecular consequence: frameshift variant.
Genome position (GRCh38, 1-based): chr3:186,677,173, C deleted; the last of 4 consecutive C bases (chr3:186,677,170-186,677,173); deleting any one gives the same sequence. VCF-style (leftmost placement, unchanged base first): chr3-186677169-TC-T. GRCh37 (hg19) VCF-style: chr3-186394958-TC-T.
Other names: short protein forms H290fs.
Identifiers: ClinVar variation 1216073 (VCV001216073.3), dbSNP rs771034089, ClinGen allele CA2745824.

ClinVar aggregate classification (germline): Uncertain significance (1 of 4 stars; one submission).

Submission:

GeneDx
Classification: Uncertain significance. Last evaluated: 2020-05-18. Review status: criteria provided, single submitter. Criteria: GeneDx Variant Classification Process June 2021. Collection method: clinical testing. Allele origin: germline. Affected: yes.
Comment: Frameshift variant predicted to result in protein truncation as the last 236 amino acids are replaced with 148 different amino acids, although loss-of-function variants have not been reported downstream of this position in the protein; Has not been previously published as pathogenic or benign to our knowledge